The following is an entry in ClinVar:

ClinVar aggregate classification (germline): Uncertain significance (1 of 4 stars; one submission).

Allele frequency attached by ClinVar (database versions not stated): ExAC 0.00001; gnomAD exomes 0.00001; gnomAD 0.00003; TOPMed 0.00003; ESP Exome Variant Server 0.00008.
gnomAD v4.1: 7 of 1,614,100 alleles (0.00043%); highest among the groups gnomAD compares: African/African-American, 0.0067%; no homozygotes.

Submission:

Labcorp Genetics (formerly Invitae), Labcorp
Classification: Uncertain significance. Last evaluated: 2020-11-06. Review status: criteria provided, single submitter. Criteria: Invitae Variant Classification Sherloc (09022015). Collection method: clinical testing. Allele origin: germline.
Comment: This variant has not been reported in the literature in individuals with NBAS-related conditions. This sequence change replaces histidine with arginine at codon 1618 of the NBAS protein (p.His1618Arg). The histidine residue is highly conserved and there is a small physicochemical difference between histidine and arginine. This variant is present in population databases (rs145080021, ExAC 0.01%). Algorithms developed to predict the effect of missense changes on protein structure and function output the following: SIFT: "Deleterious"; PolyPhen-2: "Benign"; Align-GVGD: "Class C25". The arginine amino acid residue is found in multiple mammalian species, suggesting that this missense change does not adversely affect protein function. These predictions have not been confirmed by published functional studies and their clinical significance is uncertain. In summary, the available evidence is currently insufficient to determine the role of this variant in disease. Therefore, it has been classified as a Variant of Uncertain Significance.

NM_015909.4(NBAS):c.4853A>G (p.His1618Arg)

Gene: NBAS (NBAS subunit of NRZ tethering complex; minus strand). Cytogenetic location: 2p24.3.
Variant type: single nucleotide variant.
Coding change: c.4853A>G on transcript NM_015909.4 (MANE Select); coding-DNA position 4853, A replaced by G.
Protein change: p.His1618Arg; replaces histidine 1618 with arginine.
Molecular consequence: missense variant. On other transcripts: non-coding transcript variant (1).
Genome position (GRCh38, 1-based): chr2:15,292,711, T>C on the plus strand (A>G on the coding strand, the complement: NBAS is on the minus strand). VCF-style: chr2-15292711-T-C. GRCh37 (hg19) VCF-style: chr2-15432835-T-C.
Other names: short protein forms H1618R.
Identifiers: ClinVar variation 1472055 (VCV001472055.8), dbSNP rs145080021, ClinGen allele CA1535478.
Genomic context (GRCh38, chr2:15,292,711, plus strand): 5'-CGTTCATTGTAGCAGTGTAACTGCTTGGTCAGTGAAATAAGGTCTTCAGGCCAGGCTTCG[T>C]GCTCATGTCGAGTCACATGCCTGGTGACCATCTTGATTAGTTCTTTGGGATCAGCCTATG-3'
Protein context (NP_056993.2, residues 1608-1628): MVTRHVTRHE[His1618Arg]EAWPEDLISL